The following is an entry in ClinVar:

ClinVar aggregate classification (germline): Uncertain significance. Review status: criteria provided, multiple submitters, no conflicts (2 of 4 stars). 5 submissions from 5 submitters: Uncertain significance (5). Last evaluated 2025-12-16.

Conditions:
Cardiomyopathy (CMYO). Also called: Cardiomyopathies. Identifiers: Orphanet 167848, MedGen C0878544, MONDO:0004994, HP:0001638. Inheritance: Various modes of inheritance.
Arrhythmogenic right ventricular dysplasia 5. Also called: Arrhythmogenic Right Ventricular Dysplasia/Cardiomyopathy 5; ARRHYTHMOGENIC RIGHT VENTRICULAR DYSPLASIA, FAMILIAL, 5. Identifiers: MedGen C1858379, MONDO:0011459, OMIM 604400.
Cardiovascular phenotype. Identifiers: MedGen CN230736.

Allele frequency attached by ClinVar (database versions not stated): gnomAD exomes below 0.00001; gnomAD 0.00005 and 0.00006; TOPMed 0.00009.
gnomAD v4.1: 13 of 1,614,002 alleles (0.00081%); highest among the groups gnomAD compares: Admixed American, 0.015%; no homozygotes.

Submissions (5):

Labcorp Genetics (formerly Invitae), Labcorp
Classification: Uncertain significance for Arrhythmogenic right ventricular dysplasia 5. Last evaluated: 2025-12-16. Review status: criteria provided, single submitter. Criteria: Invitae Variant Classification Sherloc (09022015). Collection method: clinical testing. Allele origin: germline.
Comment: This sequence change replaces lysine, which is basic and polar, with arginine, which is basic and polar, at codon 18 of the TMEM43 protein (p.Lys18Arg). This variant is not present in population databases (gnomAD no frequency). This variant has not been reported in the literature in individuals affected with TMEM43-related conditions. ClinVar contains an entry for this variant (Variation ID: 578691). An algorithm developed to predict the effect of missense changes on protein structure and function (PolyPhen-2) suggests that this variant is likely to be tolerated. In summary, the available evidence is currently insufficient to determine the role of this variant in disease. Therefore, it has been classified as a Variant of Uncertain Significance.

Women's Health and Genetics/Laboratory Corporation of America, LabCorp
Classification: Uncertain significance. Last evaluated: 2025-09-04. Review status: criteria provided, single submitter. Criteria: LabCorp Variant Classification Summary - May 2015. Collection method: clinical testing. Allele origin: germline.
Comment: Variant summary: TMEM43 c.53A>G (p.Lys18Arg) results in a conservative amino acid change in the encoded protein sequence. Algorithms developed to predict the effect of missense changes on protein structure and function all suggest that this variant is likely to be tolerated. The variant was absent in 251428 control chromosomes. The available data on variant occurrences in the general population are insufficient to allow any conclusion about variant significance. To our knowledge, no occurrence of c.53A>G in individuals affected with TMEM43-related conditions and no experimental evidence demonstrating its impact on protein function have been reported. ClinVar contains an entry for this variant (Variation ID: 578691). Based on the evidence outlined above, the variant was classified as uncertain significance.

All of Us Research Program, National Institutes of Health
Classification: Uncertain significance for Arrhythmogenic right ventricular dysplasia 5. Last evaluated: 2024-08-30. Review status: criteria provided, single submitter. Criteria: ACMG Guidelines, 2015. Collection method: clinical testing. Allele origin: germline. Inheritance: Autosomal dominant inheritance. Observed: 8 variant alleles, 8 heterozygotes.
Comment: This missense variant replaces lysine with arginine at codon 18 of the TMEM43 protein. Computational prediction tool suggests that this variant may not impact protein structure and function (internally defined REVEL score threshold <=0.5, PMID: 27666373). To our knowledge, functional studies have not been performed for this variant. This variant has not been reported in individuals affected with cardiovascular disorders in the literature. This variant has not been identified in the general population by the Genome Aggregation Database (gnomAD). The available evidence is insufficient to determine the role of this variant in disease conclusively. Therefore, this variant is classified as a Variant of Uncertain Significance.

This study involves interpretation of variants in research participants for the purpose of population health screening. Participant phenotype was not available at the time of variant classification. Additional details can be found in publication PMID: 35346344, PMCID: PMC8962531

Ambry Genetics
Classification: Uncertain significance for Cardiovascular phenotype. Last evaluated: 2024-04-23. Review status: criteria provided, single submitter. Criteria: Ambry Variant Classification Scheme 2023. Collection method: clinical testing. Allele origin: germline.
Comment: The p.K18R variant (also known as c.53A>G), located in coding exon 2 of the TMEM43 gene, results from an A to G substitution at nucleotide position 53. The lysine at codon 18 is replaced by arginine, an amino acid with highly similar properties. This amino acid position is conserved. In addition, this alteration is predicted to be tolerated by in silico analysis. Based on the available evidence, the clinical significance of this variant remains unclear.

Color Diagnostics, LLC DBA Color Health
Classification: Uncertain significance for Cardiomyopathy. Last evaluated: 2024-03-06. Review status: criteria provided, single submitter. Criteria: ACMG Guidelines, 2015. Collection method: clinical testing. Allele origin: germline.
Comment: This missense variant replaces lysine with arginine at codon 18 of the TMEM43 protein. Computational prediction suggests that this variant may not impact protein structure and function (internally defined REVEL score threshold <= 0.5, PMID: 27666373). To our knowledge, functional studies have not been reported for this variant. This variant has not been reported in individuals affected with TMEM43-related disorders in the literature. This variant has not been identified in the general population by the Genome Aggregation Database (gnomAD). The available evidence is insufficient to determine the role of this variant in disease conclusively. Therefore, this variant is classified as a Variant of Uncertain Significance.

NM_024334.3(TMEM43):c.53A>G (p.Lys18Arg)

Gene: TMEM43 (transmembrane protein 43; plus strand). Cytogenetic location: 3p25.1.
Variant type: single nucleotide variant.
Coding change: c.53A>G on transcript NM_024334.3 (MANE Select); coding-DNA position 53, A replaced by G.
Protein change: p.Lys18Arg; replaces lysine 18 with arginine.
Molecular consequence: missense variant.
Genome position (GRCh38, 1-based): chr3:14,129,452, A>G. VCF-style: chr3-14129452-A-G. GRCh37 (hg19) VCF-style: chr3-14170952-A-G.
Other names: short protein forms K18R.
Identifiers: ClinVar variation 578691 (VCV000578691.15), dbSNP rs1214893591, ClinGen allele CA351534238.